The following is an entry in ClinVar:

NM_000642.3(AGL):c.4529dup (p.Tyr1510Ter)

Gene: AGL (amylo-alpha-1,6-glucosidase and 4-alpha-glucanotransferase; plus strand). Cytogenetic location: 1p21.2.
Variant type: Duplication.
Coding change: c.4529dup on transcript NM_000642.3 (MANE Select); coding-DNA position 4529, one base duplicated (A; older notation c.4529dupA).
Protein change: p.Tyr1510Ter; replaces tyrosine 1510 with a stop codon.
Molecular consequence: nonsense. On other transcripts: frameshift variant (10).
Genome position (GRCh38, 1-based): chr1:99,921,581, A duplicated. VCF-style (leftmost placement, unchanged base first): chr1-99921580-T-TA. GRCh37 (hg19) VCF-style: chr1-100387136-T-TA.
Other names: c.4529dup, p.Tyr1510Terfs (NM_000028.3, NM_000643.3, NM_000644.3 and 1 more transcripts); c.4481dup, p.Tyr1494Terfs (NM_000646.3); c.4508dup, p.Tyr1503Terfs (NM_001425326.1); c.4328dup, p.Tyr1443Terfs (NM_001425327.1); c.4325dup, p.Tyr1442Terfs (NM_001425328.1); c.4190dup, p.Tyr1397Terfs (NM_001425329.1); c.4151dup, p.Tyr1384Terfs (NM_001425332.1); c.4529dup (NM_000642.2); and 1 more; short protein forms Y1510*, Y1494*.
Identifiers: ClinVar variation 1094 (VCV000001094.23), dbSNP rs387906244, ClinGen allele CA114751.

ClinVar aggregate classification (germline): Pathogenic/Likely pathogenic. Review status: criteria provided, multiple submitters, no conflicts (2 of 4 stars). 11 submissions from 11 submitters: Pathogenic (6); Likely pathogenic (1). 4 of the submissions do not count toward it. Last evaluated 2025-12-08.

Conditions:
Inborn genetic diseases. Identifiers: MedGen C0950123, MeSH D030342.
Glycogen storage disease IIIa (GSD IIIa). Also called: Glycogen Storage Disease Type IIIa (GSD IIIa). Identifiers: MedGen C1968739.
Glycogen storage disease type III (GSD3). Also called: Cori disease; FORBES DISEASE. Identifiers: Orphanet 366, MedGen C0017922, MONDO:0009291, OMIM 232400.

Allele frequency attached by ClinVar (database versions not stated): ExAC 0.00002; gnomAD exomes 0.00002 and 0.00005; gnomAD 0.00003; TOPMed 0.00004.

Submissions (11):

Labcorp Genetics (formerly Invitae), Labcorp
Classification: Pathogenic for Glycogen storage disease type III. Last evaluated: 2025-12-08. Review status: criteria provided, single submitter. Criteria: Invitae Variant Classification Sherloc (09022015). Collection method: clinical testing. Allele origin: germline.
Comment: This sequence change creates a premature translational stop signal (p.Tyr1510*) in the AGL gene. While this is not anticipated to result in nonsense mediated decay, it is expected to disrupt the last 23 amino acid(s) of the AGL protein. This variant is present in population databases (rs756759628, gnomAD 0.004%). This premature translational stop signal has been observed in individuals with glycogen storage disease type III (PMID: 8990006, 20071996, 20490926, 23430490). ClinVar contains an entry for this variant (Variation ID: 1094). Algorithms developed to predict the effect of sequence changes on RNA splicing suggest that this variant may disrupt the consensus splice site. For these reasons, this variant has been classified as Pathogenic.

Baylor Genetics
Classification: Pathogenic for Glycogen storage disease type III. Last evaluated: 2024-01-24. Review status: criteria provided, single submitter. Criteria: ACMG Guidelines, 2015. Collection method: clinical testing. Allele origin: unknown.

Revvity Omics, Revvity
Classification: Pathogenic for Glycogen storage disease type III. Last evaluated: 2022-01-13. Review status: criteria provided, single submitter. Criteria: ACMG Guidelines, 2015. Collection method: clinical testing. Allele origin: germline.

Genome-Nilou Lab
Classification: Pathogenic for Glycogen storage disease type III. Last evaluated: 2021-07-15. Review status: criteria provided, single submitter. Criteria: ACMG Guidelines, 2015. Collection method: clinical testing. Allele origin: germline. Affected: no.

Fulgent Genetics
Classification: Likely pathogenic for Glycogen storage disease type III. Last evaluated: 2021-07-12. Review status: criteria provided, single submitter. Criteria: ACMG Guidelines, 2015. Collection method: clinical testing. Allele origin: unknown.

Women's Health and Genetics/Laboratory Corporation of America, LabCorp
Classification: Pathogenic for Glycogen storage disease IIIa. Last evaluated: 2017-01-06. Review status: criteria provided, single submitter. Criteria: LabCorp Variant Classification Summary - May 2015. Collection method: clinical testing. Allele origin: germline.
Comment: Variant summary: The AGL c.4529dupA (p.Tyr1510X) variant results in a premature termination codon, predicted to cause a truncated or absent AGL protein due to nonsense mediated decay, which are commonly known mechanisms for disease. The variant of interest was observed in the large, broad control population, ExAC, with an allele frequency of 2/121034 (1/60517), which does not exceed the estimated maximal expected allele frequency for a pathogenic AGL variant of 1/438. Multiple publications have cited the variant in affected individuals, who were homozygous and compound heterozygous. In addition, multiple clinical diagnostic laboratories/reputable databases classified this variant as likely pathogenic/pathogenic. Taken together, this variant is classified as pathogenic.

Ambry Genetics
Classification: Pathogenic for Inborn genetic diseases. Last evaluated: 2016-03-01. Review status: criteria provided, single submitter. Criteria: Ambry exome assertion method (8-5-2015). Collection method: clinical testing. Allele origin: germline. Affected: yes. Observed: 1 variant allele.

Natera, Inc.
Classification: Pathogenic for Glycogen storage disease type III. Last evaluated: 2020-09-16. Review status: no assertion criteria provided. Collection method: clinical testing. Allele origin: germline. Not counted in ClinVar's aggregate classification.

Counsyl
Classification: Likely pathogenic for Glycogen storage disease type III. Last evaluated: 2015-01-23. Review status: no assertion criteria provided. Collection method: literature only. Allele origin: unknown. Inheritance: Autosomal recessive inheritance. Not counted in ClinVar's aggregate classification.

OMIM
Classification: Pathogenic for GLYCOGEN STORAGE DISEASE, TYPE IIIa. Last evaluated: 1997-01-01. Review status: no assertion criteria provided. Collection method: literature only. Allele origin: germline. Not counted in ClinVar's aggregate classification.

GeneReviews
No classification provided. Condition: Glycogen storage disease type III. Review status: no classification provided. Collection method: literature only. Allele origin: germline. Not counted in ClinVar's aggregate classification.
Comment: Associated with more severe phenotype

Literature cited by the submitters: PubMed 8990006 (cited by 4 submitters); PubMed 20071996 (cited by Labcorp Genetics (formerly Invitae), Labcorp); PubMed 20490926 (cited by Labcorp Genetics (formerly Invitae), Labcorp and Counsyl); PubMed 23430490 (cited by 3 submitters); PubMed 23062577 (cited by Women's Health and Genetics/Laboratory Corporation of America, LabCorp and Counsyl); PubMed 20648714 (cited by Counsyl); Yang, B.-Z., Ding, J.-H., Bao, Y., Eason, J. F. M., Chen, Y.-T. Molecular basis of the enzymatic variability in type III glycogen storage disease (GSD-III). (Abstract) Am. J. Hum. Genet. 51 (suppl.): A28, 1992. (cited by OMIM); NCBI Bookshelf NBK26372 (cited by GeneReviews); PubMed 19299494 (cited by GeneReviews).